The following is an entry in ClinVar:

NM_000303.3(PMM2):c.714C>T (p.Arg238=)

Gene: PMM2 (phosphomannomutase 2; plus strand). Cytogenetic location: 16p13.2.
Variant type: single nucleotide variant.
Coding change: c.714C>T on transcript NM_000303.3 (MANE Select); coding-DNA position 714, C replaced by T.
Protein change: p.Arg238=; no amino-acid change (arginine 238 retained).
Molecular consequence: synonymous variant.
Genome position (GRCh38, 1-based): chr16:8,847,798, C>T. VCF-style: chr16-8847798-C-T. GRCh37 (hg19) VCF-style: chr16-8941655-C-T.
Identifiers: ClinVar variation 3046779 (VCV003046779.3), dbSNP rs141562154, ClinGen allele CA7894215.

ClinVar aggregate classification (germline): Likely benign. Review status: criteria provided, single submitter (1 of 4 stars). 2 submissions from 2 submitters: Likely benign (1). 1 of the submissions does not count toward it. Last evaluated 2024-06-07.

Conditions:
PMM2-related disorder. Also called: PMM2-related condition.

Allele frequency attached by ClinVar (database versions not stated): ExAC 0.00002; TOPMed 0.00002; ESP Exome Variant Server 0.00008.
gnomAD v4.1: 18 of 1,613,630 alleles (0.0011%); highest among the groups gnomAD compares: Non-Finnish European, 0.0015%; no homozygotes.

Submissions (2):

Blueprint Genetics
Classification: Likely benign. Last evaluated: 2024-06-07. Review status: criteria provided, single submitter. Criteria: ACMG Guidelines, 2015. Collection method: clinical testing. Allele origin: germline.

PreventionGenetics, part of Exact Sciences
Classification: Likely benign for PMM2-related condition. Last evaluated: 2020-10-21. Review status: no assertion criteria provided. Collection method: clinical testing. Allele origin: germline. Not counted in ClinVar's aggregate classification.
Comment: This variant is classified as likely benign based on ACMG/AMP sequence variant interpretation guidelines (Richards et al. 2015 PMID: 25741868, with internal and published modifications).